The following is an entry in ClinVar:

ClinVar aggregate classification (germline): Uncertain significance (1 of 4 stars; one submission).

Conditions:
Tuberous sclerosis 1 (TSC1). Identifiers: Orphanet 805, MedGen C1854465, MONDO:0008612, OMIM 191100.

Submission:

Labcorp Genetics (formerly Invitae), Labcorp
Classification: Uncertain significance for Tuberous sclerosis 1. Last evaluated: 2019-04-26. Review status: criteria provided, single submitter. Criteria: Invitae Variant Classification Sherloc (09022015). Collection method: clinical testing. Allele origin: germline.
Comment: In summary, the available evidence is currently insufficient to determine the role of this variant in disease. Therefore, it has been classified as a Variant of Uncertain Significance. Algorithms developed to predict the effect of missense changes on protein structure and function (SIFT, PolyPhen-2, Align-GVGD) all suggest that this variant is likely to be tolerated, but these predictions have not been confirmed by published functional studies and their clinical significance is uncertain. This variant has not been reported in the literature in individuals with TSC1-related conditions. This variant is not present in population databases (ExAC no frequency). This sequence change replaces alanine with serine at codon 983 of the TSC1 protein (p.Ala983Ser). The alanine residue is moderately conserved and there is a moderate physicochemical difference between alanine and serine.

NM_000368.5(TSC1):c.2947G>T (p.Ala983Ser)

Gene: TSC1 (TSC complex subunit 1; minus strand). Cytogenetic location: 9q34.13.
Variant type: single nucleotide variant.
Coding change: c.2947G>T on transcript NM_000368.5 (MANE Select); coding-DNA position 2947, G replaced by T.
Protein change: p.Ala983Ser; replaces alanine 983 with serine.
Molecular consequence: missense variant.
Genome position (GRCh38, 1-based): chr9:132,897,212, C>A on the plus strand (G>T on the coding strand, the complement: TSC1 is on the minus strand). VCF-style: chr9-132897212-C-A. GRCh37 (hg19) VCF-style: chr9-135772599-C-A.
Other names: c.2944G>T, p.Ala982Ser (NM_001162426.2); c.2794G>T, p.Ala932Ser (NM_001162427.2); c.2584G>T, p.Ala862Ser (NM_001362177.2); short protein forms A983S, A862S, A982S, A932S.
Identifiers: ClinVar variation 836234 (VCV000836234.9), dbSNP rs1845117262, ClinGen allele CA375368343.